The following is an entry in ClinVar:

ClinVar aggregate classification (germline): Likely benign. Review status: criteria provided, single submitter (1 of 4 stars). 2 submissions from 2 submitters: Likely benign (1). 1 of the submissions does not count toward it. Last evaluated 2025-06-24.

Conditions:
PRKAR1B-related disorder. Also called: PRKAR1B-related condition.

Allele frequency attached by ClinVar (database versions not stated): gnomAD 0.00023; TOPMed 0.00013; ESP Exome Variant Server 0.00016.
gnomAD v4.1: 397 of 1,591,226 alleles (0.025%); highest among the groups gnomAD compares: Non-Finnish European, 0.028%; 2 homozygotes.

Submissions (2):

Mayo Clinic Laboratories, Mayo Clinic
Classification: Likely benign. Last evaluated: 2025-06-24. Review status: criteria provided, single submitter. Criteria: ACMG Guidelines, 2015. Collection method: clinical testing. Allele origin: germline. Observed: 1 variant allele.
Comment: BS1

PreventionGenetics, part of Exact Sciences
Classification: Likely benign for PRKAR1B-related condition. Last evaluated: 2023-11-03. Review status: no assertion criteria provided. Collection method: clinical testing. Allele origin: germline. Not counted in ClinVar's aggregate classification.
Comment: This variant is classified as likely benign based on ACMG/AMP sequence variant interpretation guidelines (Richards et al. 2015 PMID: 25741868, with internal and published modifications).

NM_001164760.2(PRKAR1B):c.998G>A (p.Arg333Gln)

Gene: PRKAR1B (protein kinase cAMP-dependent type I regulatory subunit beta; minus strand). Cytogenetic location: 7p22.3.
Variant type: single nucleotide variant.
Coding change: c.998G>A on transcript NM_001164760.2 (MANE Select); coding-DNA position 998, G replaced by A.
Protein change: p.Arg333Gln; replaces arginine 333 with glutamine.
Molecular consequence: missense variant.
Genome position (GRCh38, 1-based): chr7:550,578, C>T on the plus strand (G>A on the coding strand, the complement: PRKAR1B is on the minus strand). VCF-style: chr7-550578-C-T. GRCh37 (hg19) VCF-style: chr7-590215-C-T.
Other names: p.Arg333Gln; c.998G>A, p.Arg333Gln (NM_001164758.2, NM_001164759.1, NM_001164761.2 and 2 more transcripts); short protein forms R333Q.
Identifiers: ClinVar variation 3057463 (VCV003057463.3), dbSNP rs77270969, ClinGen allele CA4109840.